The following is an entry in ClinVar:

NM_001174150.2(ARL13B):c.721G>A (p.Asp241Asn)

Gene: ARL13B (ARF like GTPase 13B; plus strand). Cytogenetic location: 3q11.2.
Variant type: single nucleotide variant.
Coding change: c.721G>A on transcript NM_001174150.2 (MANE Select); coding-DNA position 721, G replaced by A.
Protein change: p.Asp241Asn; replaces aspartic acid 241 with asparagine.
Molecular consequence: missense variant. On other transcripts: non-coding transcript variant (2).
Genome position (GRCh38, 1-based): chr3:94,039,911, G>A. VCF-style: chr3-94039911-G-A. GRCh37 (hg19) VCF-style: chr3-93758755-G-A.
Other names: c.412G>A, p.Asp138Asn (NM_001174151.2); c.676G>A, p.Asp226Asn (NM_001321328.2); c.400G>A, p.Asp134Asn (NM_144996.4); c.721G>A, p.Asp241Asn (NM_182896.3); short protein forms D138N, D226N, D241N, D134N.
Identifiers: ClinVar variation 951537 (VCV000951537.8), dbSNP rs757984271, ClinGen allele CA2504146.
Genomic context (GRCh38, chr3:94,039,911, plus strand): 5'-AATTTCAATTATTTTTCCTCAAACGATAGAAAACAAAATGAACAGGAGCAGGCTGAACTC[G>A]ATGGAACCAGTGGTCTGGCTGAGTTGGACCCAGAACCAACGAATCCTTTCCAGCCAATAG-3'
Protein context (NP_001167621.1, residues 231-251): KQNEQEQAEL[Asp241Asn]GTSGLAELDP

ClinVar aggregate classification (germline): Uncertain significance (1 of 4 stars; one submission).

Conditions:
Joubert syndrome 8 (JBTS8). Identifiers: Orphanet 475, MedGen C2676771, MONDO:0012855, OMIM 612291.

Allele frequency attached by ClinVar (database versions not stated): TOPMed below 0.00001; gnomAD 0.00001.

Submission:

Labcorp Genetics (formerly Invitae), Labcorp
Classification: Uncertain significance for Joubert syndrome 8. Last evaluated: 2023-12-11. Review status: criteria provided, single submitter. Criteria: Invitae Variant Classification Sherloc (09022015). Collection method: clinical testing. Allele origin: germline.
Comment: This sequence change replaces aspartic acid, which is acidic and polar, with asparagine, which is neutral and polar, at codon 241 of the ARL13B protein (p.Asp241Asn). This variant is present in population databases (rs757984271, gnomAD 0.0009%). This variant has not been reported in the literature in individuals affected with ARL13B-related conditions. ClinVar contains an entry for this variant (Variation ID: 951537). Advanced modeling of protein sequence and biophysical properties (such as structural, functional, and spatial information, amino acid conservation, physicochemical variation, residue mobility, and thermodynamic stability) performed at Invitae indicates that this missense variant is not expected to disrupt ARL13B protein function with a negative predictive value of 80%. In summary, the available evidence is currently insufficient to determine the role of this variant in disease. Therefore, it has been classified as a Variant of Uncertain Significance.